The following is an entry in ClinVar:

NM_003640.5(ELP1):c.1884T>A (p.Cys628Ter)

Gene: ELP1 (elongator acetyltransferase complex subunit 1; minus strand). Cytogenetic location: 9q31.3.
Variant type: single nucleotide variant.
Coding change: c.1884T>A on transcript NM_003640.5 (MANE Select); coding-DNA position 1884, T replaced by A.
Protein change: p.Cys628Ter; replaces cysteine 628 with a stop codon.
Molecular consequence: nonsense.
Genome position (GRCh38, 1-based): chr9:108,901,652, A>T on the plus strand (T>A on the coding strand, the complement: ELP1 is on the minus strand). VCF-style: chr9-108901652-A-T. GRCh37 (hg19) VCF-style: chr9-111663932-A-T.
Other names: c.1542T>A, p.Cys514Ter (NM_001318360.2); c.837T>A, p.Cys279Ter (NM_001330749.2); c.1884T>A (NM_003640.4); short protein forms C514*, C279*, C628*.
Identifiers: ClinVar variation 1410635 (VCV001410635.7), dbSNP rs2131992501, ClinGen allele CA374424883.

ClinVar aggregate classification (germline): Pathogenic/Likely pathogenic. Review status: criteria provided, multiple submitters, no conflicts (2 of 4 stars). 2 submissions from 2 submitters: Pathogenic (1); Likely pathogenic (1). Last evaluated 2025-11-04.

Conditions:
Familial dysautonomia. Also called: HSAN III; FD. Identifiers: Orphanet 1764, MedGen C0013364, MONDO:0009131, OMIM 223900. Disease mechanism: loss of function.

Submissions (2):

Natera, Inc.
Classification: Likely pathogenic for Familial dysautonomia. Last evaluated: 2025-11-04. Review status: criteria provided, single submitter. Criteria: Natera Variant Classification Schema (03/2026). Collection method: clinical testing. Allele origin: germline.
Comment: The c.1884T>A variant in ELP1 is a nonsense variant predicted to introduce a stop codon at amino acid 628. This variant is expected to result in nonsense mediated decay, truncation, or a dysfunctional protein product. This variant is rare in the general population with a frequency below the threshold expected for the associated phenotype(s). Given the available evidence, this variant is classified as Likely Pathogenic.

Labcorp Genetics (formerly Invitae), Labcorp
Classification: Pathogenic. Last evaluated: 2024-11-24. Review status: criteria provided, single submitter. Criteria: Invitae Variant Classification Sherloc (09022015). Collection method: clinical testing. Allele origin: germline.
Comment: This sequence change creates a premature translational stop signal (p.Cys628*) in the ELP1 gene. It is expected to result in an absent or disrupted protein product. Loss-of-function variants in ELP1 are known to be pathogenic (PMID: 18303054, 24173031). This variant is not present in population databases (gnomAD no frequency). This variant has not been reported in the literature in individuals affected with ELP1-related conditions. ClinVar contains an entry for this variant (Variation ID: 1410635). For these reasons, this variant has been classified as Pathogenic.

Literature cited by the submitters: PubMed 18303054 (cited by Labcorp Genetics (formerly Invitae), Labcorp); PubMed 24173031 (cited by Labcorp Genetics (formerly Invitae), Labcorp).